The following is an entry in ClinVar:

NM_001849.4(COL6A2):c.2488C>T (p.Arg830Trp)

Gene: COL6A2 (collagen type VI alpha 2 chain; plus strand). Cytogenetic location: 21q22.3.
Variant type: single nucleotide variant.
Coding change: c.2488C>T on transcript NM_001849.4 (MANE Select); coding-DNA position 2488, C replaced by T.
Protein change: p.Arg830Trp; replaces arginine 830 with tryptophan.
Molecular consequence: missense variant.
Genome position (GRCh38, 1-based): chr21:46,131,980, C>T. VCF-style: chr21-46131980-C-T. GRCh37 (hg19) VCF-style: chr21-47551894-C-T.
Other names: short protein forms R830W.
Identifiers: ClinVar variation 287934 (VCV000287934.20), dbSNP rs373072443, ClinGen allele CA10072904.

ClinVar aggregate classification (germline): Conflicting classifications of pathogenicity. Review status: criteria provided, conflicting classifications (1 of 4 stars). 6 submissions from 6 submitters: Pathogenic (2); Likely pathogenic (3); Uncertain significance (1). Last evaluated 2025-10-13.

Conditions:
Collagen 6-related myopathy. Identifiers: MedGen CN117976, MONDO:0100225.
Ullrich congenital muscular dystrophy 1A. Also called: Intermediate COL6-RD; Ullrich congenital muscular dystrophy 1. Identifiers: Orphanet 75840, MedGen C0410179, MONDO:0009681, OMIM 254090.
Bethlem myopathy 1A. Also called: Bethlem Muscular Dystrophy; MYOPATHY, BENIGN CONGENITAL, WITH CONTRACTURES; Bethlem myopathy 1. Identifiers: Orphanet 610, MedGen CN029274, MONDO:0024530, OMIM 158810.

Allele frequency attached by ClinVar (database versions not stated): gnomAD 0.00003; gnomAD exomes 0.00003 and 0.00004; TOPMed 0.00003; ExAC 0.00004; ESP Exome Variant Server 0.00008; 1000 Genomes Project 30x 0.00016; 1000 Genomes Project 0.00020.
gnomAD v4.1: 60 of 1,608,588 alleles (0.0037%); highest among the groups gnomAD compares: East Asian, 0.018%; no homozygotes.

Submissions (6):

Women's Health and Genetics/Laboratory Corporation of America, LabCorp
Classification: Pathogenic for Ullrich congenital muscular dystrophy 1A. Last evaluated: 2025-10-13. Review status: criteria provided, single submitter. Criteria: LabCorp Variant Classification Summary - May 2015. Collection method: clinical testing. Allele origin: germline.
Comment: Variant summary: COL6A2 c.2488C>T (p.Arg830Trp) results in a non-conservative amino acid change in the encoded protein sequence. Algorithms developed to predict the effect of missense changes on protein structure and function are either unavailable or do not agree on the potential impact of this missense change. The variant allele was found at a frequency of 3.4e-05 in 236068 control chromosomes. c.2488C>T has been observed in individual(s) affected with COL6A2 related disorders. These data indicate that the variant is likely to be associated with disease. To our knowledge, no experimental evidence demonstrating an impact on protein function has been reported. The following publications have been ascertained in the context of this evaluation (PMID: 19884007, 30564623, 31127727). ClinVar contains an entry for this variant (Variation ID: 287934). Based on the evidence outlined above, the variant was classified as pathogenic.

Labcorp Genetics (formerly Invitae), Labcorp
Classification: Pathogenic for Bethlem myopathy 1A. Last evaluated: 2024-09-18. Review status: criteria provided, single submitter. Criteria: Invitae Variant Classification Sherloc (09022015). Collection method: clinical testing. Allele origin: germline.
Comment: This sequence change replaces arginine, which is basic and polar, with tryptophan, which is neutral and slightly polar, at codon 830 of the COL6A2 protein (p.Arg830Trp). The frequency data for this variant in the population databases is considered unreliable, as metrics indicate poor data quality at this position in the gnomAD database. This missense change has been observed in individual(s) with autosomal recessive Bethlem myopathy and/or limb-girdle muscular dystrophy (PMID: 19884007, 30564623, 31127727, 34167565). In at least one individual the data is consistent with being in trans (on the opposite chromosome) from a pathogenic variant. It has also been observed to segregate with disease in related individuals. ClinVar contains an entry for this variant (Variation ID: 287934). Invitae Evidence Modeling of protein sequence and biophysical properties (such as structural, functional, and spatial information, amino acid conservation, physicochemical variation, residue mobility, and thermodynamic stability) indicates that this missense variant is expected to disrupt COL6A2 protein function with a positive predictive value of 80%. This variant disrupts the p.Arg830 amino acid residue in COL6A2. Other variant(s) that disrupt this residue have been observed in individuals with COL6A2-related conditions (PMID: 29419890), which suggests that this may be a clinically significant amino acid residue. For these reasons, this variant has been classified as Pathogenic.

Revvity Omics, Revvity
Classification: Likely pathogenic. Last evaluated: 2023-03-09. Review status: criteria provided, single submitter. Criteria: ACMG Guidelines, 2015. Collection method: clinical testing. Allele origin: germline.

Illumina Laboratory Services, Illumina
Classification: Likely pathogenic for Collagen VI-related myopathy. Last evaluated: 2017-05-09. Review status: criteria provided, single submitter. Criteria: ICSL Variant Classification Criteria 09 May 2019. Collection method: clinical testing. Allele origin: germline.
Comment: The COL6A2 c.2488C>T (p.Arg830Trp) missense variant has been reported in two studies and is found in a compound heterozygous state in a total of three individuals, including two siblings with recessive Bethlem myopathy and an unrelated individual with a recessive limb-girdle muscular dystrophy phenotype (Foley et al. 2009; Mitsui et al. 2016). The variant was also identified in a heterozygous state in the unaffected father of the siblings. Control data are unavailable for this variant, which is reported at a frequency of 0.00004 in the Total population of the Exome Aggregation Consortium. Foley et al. (2009) performed collagen VI staining using dermal fibroblasts from one of the siblings and found that collagen VI was deposited but differed in appearance and amount compared to collagen VI deposited by normal fibroblasts. Based on the evidence, the p.Arg830Trp variant is classified as likely pathogenic for recessive collagen type VI-related disorders. This variant was observed by ICSL as part of a predisposition screen in an ostensibly healthy population.

Eurofins Ntd Llc (ga)
Classification: Uncertain significance. Last evaluated: 2016-05-04. Review status: criteria provided, single submitter. Criteria: EGL Classification Definitions 2015. Collection method: clinical testing. Allele origin: germline. Observed: 1 variant allele, 1 heterozygote.

Neuberg Centre For Genomic Medicine, NCGM
Classification: Likely pathogenic for Ullrich congenital muscular dystrophy 1A. Review status: criteria provided, single submitter. Criteria: ACMG Guidelines, 2015. Collection method: clinical testing. Allele origin: germline. Inheritance: Autosomal recessive inheritance. Affected: yes.
Comment: The missense variant c.2488C>T (p.Arg830Trp) in COL6A2 gene has been reported in two studies and is found in a compound heterozygous state in a total of three individuals, including two siblings with recessive Bethlem myopathy and an unrelated individual with a recessive limb-girdle muscular dystrophy phenotype (Foley et al. 2009). This variant has been reported to the ClinVar database with conflicting interpretations of Uncertain Significance/Likely Pathogenic. The variant p.Arg830Trp is novel (not in any individuals) in 1000 Genomes and allele frequency of 0.003365% is reported in gnomAD. The amino acid Arg at position 830 is changed to a Trp changing protein sequence and it might alter its composition and physico-chemical properties. The variant is predicted to be damaging by both SIFT and PolyPhen2. The residue is conserved across species. The amino acid change p.Arg830Trp in COL6A2 is predicted as conserved by GERP++ and PhyloP across 100 vertebrates. For these reasons, this variant has been classified as Likely Pathogenic.

Literature cited by the submitters: PubMed 30564623 (cited by Women's Health and Genetics/Laboratory Corporation of America, LabCorp and Labcorp Genetics (formerly Invitae), Labcorp); PubMed 31127727 (cited by Women's Health and Genetics/Laboratory Corporation of America, LabCorp and Labcorp Genetics (formerly Invitae), Labcorp); PubMed 19884007 (cited by 4 submitters); PubMed 34167565 (cited by Labcorp Genetics (formerly Invitae), Labcorp); PubMed 29419890 (cited by Labcorp Genetics (formerly Invitae), Labcorp).